The following is an entry in ClinVar:

NM_001267550.2(TTN):c.36196G>A (p.Asp12066Asn)

Gene: TTN (titin; minus strand). Cytogenetic location: 2q31.2.
Variant type: single nucleotide variant.
Coding change: c.36196G>A on transcript NM_001267550.2 (MANE Select); coding-DNA position 36196, G replaced by A.
Protein change: p.Asp12066Asn; replaces aspartic acid 12066 with asparagine.
Molecular consequence: missense variant. On other transcripts: intron variant (5).
Genome position (GRCh38, 1-based): chr2:178,664,660, C>T on the plus strand (G>A on the coding strand, the complement: TTN is on the minus strand). VCF-style: chr2-178664660-C-T. GRCh37 (hg19) VCF-style: chr2-179529387-C-T.
Other names: c.13283-22343G>A (NM_003319.4); c.13859-22343G>A (NM_133437.4); c.13658-22343G>A (NM_133432.3); c.31484-1605G>A (NM_133378.4); c.34265-1605G>A (NM_001256850.1); short protein forms D12066N.
Identifiers: ClinVar variation 992719 (VCV000992719.6), dbSNP rs140655598, ClinGen allele CA1997636.

ClinVar aggregate classification (germline): Conflicting classifications of pathogenicity. Review status: criteria provided, conflicting classifications (1 of 4 stars). 4 submissions from 4 submitters: Uncertain significance (3); Likely benign (1). Last evaluated 2026-05-18.

Conditions:
TTN-related disorder. Also called: TTN-related condition; TTN-related disease; TTN-related disorders.
Early-onset myopathy with fatal cardiomyopathy (CMYO5). Also called: CONGENITAL MYOPATHY 5 WITH CARDIOMYOPATHY; Salih Myopathy. Identifiers: Orphanet 289377, MedGen C2673677, MONDO:0012714, OMIM 611705. Disease mechanism: loss of function.
Dilated cardiomyopathy 1G (CMD1G). Identifiers: Orphanet 154, MedGen C1858763, MONDO:0011400, OMIM 604145.
Hypertrophic cardiomyopathy 9. Also called: Familial hypertrophic cardiomyopathy 9. Identifiers: MedGen C1861065, MONDO:0013412, OMIM 613765.
Myopathy, myofibrillar, 9, with early respiratory failure (MFM9). Also called: MYOPATHY, PROXIMAL, WITH EARLY RESPIRATORY MUSCLE INVOLVEMENT; Hereditary myopathy with early respiratory failure; EDSTROM MYOPATHY; Myopathy, distal, with early respiratory failure, autosomal dominant. Identifiers: Orphanet 178464, Orphanet 34521, MedGen C1863599, MONDO:0011362, OMIM 603689.
Tibial muscular dystrophy (TMD). Also called: Tibial muscular dystrophy, tardive; Udd Distal Myopathy – Tibial Muscular Dystrophy; UDD MYOPATHY. Identifiers: Orphanet 609, MedGen C1838244, MONDO:0010870, OMIM 600334.
Autosomal recessive limb-girdle muscular dystrophy type 2J (LGMDR10). Also called: Limb-girdle muscular dystrophy, type 2J; MUSCULAR DYSTROPHY, LIMB-GIRDLE, AUTOSOMAL RECESSIVE 10. Identifiers: Orphanet 140922, MedGen C1837342, MONDO:0012127, OMIM 608807.

Allele frequency attached by ClinVar (database versions not stated): gnomAD exomes 0.00004; ExAC 0.00005; 1000 Genomes Project 30x 0.00016; 1000 Genomes Project 0.00020; TOPMed 0.00037; gnomAD 0.00038 and 0.00039; ESP Exome Variant Server 0.00070.
gnomAD v4.1: 90 of 1,612,420 alleles (0.0056%); highest among the groups gnomAD compares: African/African-American, 0.11%; no homozygotes.

Submissions (4):

PreventionGenetics, part of Exact Sciences
Classification: Uncertain significance for TTN-related condition. Last evaluated: 2026-05-18. Review status: criteria provided, single submitter. Criteria: ACMG Guidelines, 2015. Collection method: clinical testing. Allele origin: germline.
Comment: The TTN c.36196G>A variant is predicted to result in the amino acid substitution p.Asp12066Asn. To our knowledge, this variant has not been reported in the literature. This variant is reported in 0.087% of alleles in individuals of African descent in gnomAD. Although we suspect that this variant may be benign, at this time, the clinical significance of this variant is uncertain due to the absence of conclusive functional and genetic evidence.

Molecular Diagnostic Laboratory for Inherited Cardiovascular Disease, Montreal Heart Institute
Classification: Likely benign. Last evaluated: 2025-04-09. Review status: criteria provided, single submitter. Criteria: ACMG Guidelines, 2015. Collection method: clinical testing. Allele origin: germline. Affected: no.
Comment: BP1

Fulgent Genetics
Classification: Uncertain significance for Tibial muscular dystrophy; Myopathy, myofibrillar, 9, with early respiratory failure; Dilated cardiomyopathy 1G; Autosomal recessive limb-girdle muscular dystrophy type 2J; Early-onset myopathy with fatal cardiomyopathy; Hypertrophic cardiomyopathy 9. Last evaluated: 2021-09-13. Review status: criteria provided, single submitter. Criteria: ACMG Guidelines, 2015. Collection method: clinical testing. Allele origin: unknown.

New York Genome Center
Classification: Uncertain significance for Hypertrophic cardiomyopathy 9; Early-onset myopathy with fatal cardiomyopathy; Dilated cardiomyopathy 1G. Last evaluated: 2019-07-12. Review status: criteria provided, single submitter. Criteria: NYGC Assertion Criteria 2020. Collection method: clinical testing. Allele origin: germline. Observed: 1 heterozygote. Study: CSER-NYCKidSeq.